The following is an entry in ClinVar:

ClinVar aggregate classification (germline): Uncertain significance (1 of 4 stars; one submission).

Conditions:
Noonan syndrome 9 (NS9). Identifiers: Orphanet 648, MedGen C4225282, MONDO:0014691, OMIM 616559.

gnomAD v4.1: 1 of 1,596,548 alleles (0.000063%); highest among the groups gnomAD compares: East Asian, 0.0022%; no homozygotes.

Submission:

Labcorp Genetics (formerly Invitae), Labcorp
Classification: Uncertain significance for Noonan syndrome 9. Last evaluated: 2025-11-19. Review status: criteria provided, single submitter. Criteria: Invitae Variant Classification Sherloc (09022015). Collection method: clinical testing. Allele origin: germline.
Comment: This sequence change replaces tyrosine, which is neutral and polar, with cysteine, which is neutral and slightly polar, at codon 136 of the SOS2 protein (p.Tyr136Cys). This variant is not present in population databases (gnomAD no frequency). This variant has not been reported in the literature in individuals affected with SOS2-related conditions. Invitae Evidence Modeling of protein sequence and biophysical properties (such as structural, functional, and spatial information, amino acid conservation, physicochemical variation, residue mobility, and thermodynamic stability) indicates that this missense variant is not expected to disrupt SOS2 protein function with a negative predictive value of 95%. In summary, the available evidence is currently insufficient to determine the role of this variant in disease. Therefore, it has been classified as a Variant of Uncertain Significance.

NM_006939.4(SOS2):c.407A>G (p.Tyr136Cys)

Gene: SOS2 (SOS Ras/Rho guanine nucleotide exchange factor 2; minus strand). Cytogenetic location: 14q21.3.
Variant type: single nucleotide variant.
Coding change: c.407A>G on transcript NM_006939.4 (MANE Select); coding-DNA position 407, A replaced by G.
Protein change: p.Tyr136Cys; replaces tyrosine 136 with cysteine.
Molecular consequence: missense variant.
Genome position (GRCh38, 1-based): chr14:50,199,794, T>C on the plus strand (A>G on the coding strand, the complement: SOS2 is on the minus strand). VCF-style: chr14-50199794-T-C. GRCh37 (hg19) VCF-style: chr14-50666512-T-C.
Other names: c.407A>G, p.Tyr136Cys (NM_001411020.1); short protein forms Y136C.
Identifiers: ClinVar variation 4694359 (VCV004694359.1).